The following is an entry in ClinVar:

ClinVar aggregate classification (germline): Uncertain significance. Review status: criteria provided, multiple submitters, no conflicts (2 of 4 stars). 2 submissions from 2 submitters: Uncertain significance (2). Last evaluated 2025-04-28.

Allele frequency attached by ClinVar (database versions not stated): gnomAD exomes below 0.00001; ExAC 0.00001; gnomAD 0.00001; TOPMed 0.00002.
gnomAD v4.1: 4 of 1,600,330 alleles (0.00025%); highest among the groups gnomAD compares: South Asian, 0.0011%; no homozygotes.

Submissions (2):

Ambry Genetics
Classification: Uncertain significance. Last evaluated: 2025-04-28. Review status: criteria provided, single submitter. Criteria: Ambry Variant Classification Scheme 2023. Collection method: clinical testing. Allele origin: germline.

Labcorp Genetics (formerly Invitae), Labcorp
Classification: Uncertain significance. Last evaluated: 2024-03-14. Review status: criteria provided, single submitter. Criteria: Invitae Variant Classification Sherloc (09022015). Collection method: clinical testing. Allele origin: germline.
Comment: This sequence change replaces proline, which is neutral and non-polar, with serine, which is neutral and polar, at codon 41 of the CRAT protein (p.Pro41Ser). The frequency data for this variant in the population databases is considered unreliable, as metrics indicate poor data quality at this position in the gnomAD database. This variant has not been reported in the literature in individuals affected with CRAT-related conditions. ClinVar contains an entry for this variant (Variation ID: 1484776). Advanced modeling of protein sequence and biophysical properties (such as structural, functional, and spatial information, amino acid conservation, physicochemical variation, residue mobility, and thermodynamic stability) performed at Invitae indicates that this missense variant is expected to disrupt CRAT protein function with a positive predictive value of 80%. In summary, the available evidence is currently insufficient to determine the role of this variant in disease. Therefore, it has been classified as a Variant of Uncertain Significance.

NM_000755.5(CRAT):c.121C>T (p.Pro41Ser)

Gene: CRAT (carnitine O-acetyltransferase; minus strand). Cytogenetic location: 9q34.11.
Variant type: single nucleotide variant.
Coding change: c.121C>T on transcript NM_000755.5 (MANE Select); coding-DNA position 121, C replaced by T.
Protein change: p.Pro41Ser; replaces proline 41 with serine.
Molecular consequence: missense variant.
Genome position (GRCh38, 1-based): chr9:129,107,984, G>A on the plus strand (C>T on the coding strand, the complement: CRAT is on the minus strand). VCF-style: chr9-129107984-G-A. GRCh37 (hg19) VCF-style: chr9-131870263-G-A.
Other names: c.58C>T, p.Pro20Ser (NM_001257363.3, NM_001346548.2, NM_004003.4); c.124C>T, p.Pro42Ser (NM_001346546.2); c.121C>T, p.Pro41Ser (NM_001346547.2, NM_001346549.2); c.121C>T (NM_000755.3); short protein forms P42S, P41S, P20S.
Identifiers: ClinVar variation 1484776 (VCV001484776.7), dbSNP rs775408401, ClinGen allele CA5275868.